The following is an entry in ClinVar:

ClinVar aggregate classification (germline): Likely benign (1 of 4 stars; one submission).

Allele frequency attached by ClinVar (database versions not stated): ExAC 0.00002; gnomAD 0.00002; gnomAD exomes 0.00002; TOPMed 0.00005; ESP Exome Variant Server 0.00015.
gnomAD v4.1: 31 of 1,613,034 alleles (0.0019%); highest among the groups gnomAD compares: African/African-American, 0.0053%; no homozygotes.

Submission:

CeGaT Center for Human Genetics Tuebingen
Classification: Likely benign. Last evaluated: 2022-09-01. Review status: criteria provided, single submitter. Criteria: CeGaT Center For Human Genetics Tuebingen Variant Classification Criteria Version 2. Collection method: clinical testing. Allele origin: germline. Affected: yes. Observed: 1 variant allele.
Comment: ATXN1: BP4

NM_001128164.2(ATXN1):c.995G>A (p.Arg332Gln)

Gene: ATXN1 (ataxin 1; minus strand). Cytogenetic location: 6p22.3.
Variant type: single nucleotide variant.
Coding change: c.995G>A on transcript NM_001128164.2 (MANE Select); coding-DNA position 995, G replaced by A.
Protein change: p.Arg332Gln; replaces arginine 332 with glutamine.
Molecular consequence: missense variant. On other transcripts: 3 prime UTR variant (1).
Genome position (GRCh38, 1-based): chr6:16,327,316, C>T on the plus strand (G>A on the coding strand, the complement: ATXN1 is on the minus strand). VCF-style: chr6-16327316-C-T. GRCh37 (hg19) VCF-style: chr6-16327547-C-T.
Other names: c.995G>A, p.Arg332Gln (NM_000332.4); c.*408G>A (NM_001357857.2); short protein forms R332Q.
Identifiers: ClinVar variation 2656249 (VCV002656249.24), dbSNP rs201023487, ClinGen allele CA3645442.